The following is an entry in ClinVar:

ClinVar aggregate classification (germline): Likely benign. Review status: criteria provided, multiple submitters, no conflicts (2 of 4 stars). 3 submissions from 3 submitters: Likely benign (2). 1 of the submissions does not count toward it. Last evaluated 2024-10-23.

Conditions:
RP1-related disorder. Also called: RP1-related condition.

Allele frequency attached by ClinVar (database versions not stated): ExAC 0.00003; gnomAD exomes 0.00004; gnomAD 0.00006.
gnomAD v4.1: 103 of 1,613,812 alleles (0.0064%); highest among the groups gnomAD compares: Non-Finnish European, 0.0078%; no homozygotes.

Submissions (3):

Labcorp Genetics (formerly Invitae), Labcorp
Classification: Likely benign. Last evaluated: 2024-10-23. Review status: criteria provided, single submitter. Criteria: Invitae Variant Classification Sherloc (09022015). Collection method: clinical testing. Allele origin: germline.

Blueprint Genetics
Classification: Likely benign. Last evaluated: 2024-01-17. Review status: criteria provided, single submitter. Criteria: ACMG Guidelines, 2015. Collection method: clinical testing. Allele origin: germline.

PreventionGenetics, part of Exact Sciences
Classification: Likely benign for RP1-related condition. Last evaluated: 2021-01-05. Review status: no assertion criteria provided. Collection method: clinical testing. Allele origin: germline. Not counted in ClinVar's aggregate classification.
Comment: This variant is classified as likely benign based on ACMG/AMP sequence variant interpretation guidelines (Richards et al. 2015 PMID: 25741868, with internal and published modifications).

NM_006269.2(RP1):c.315A>G (p.Leu105=)

Gene: RP1 (RP1 axonemal microtubule associated; plus strand). Cytogenetic location: 8q12.1.
Variant type: single nucleotide variant.
Coding change: c.315A>G on transcript NM_006269.2 (MANE Select); coding-DNA position 315, A replaced by G.
Protein change: p.Leu105=; no amino-acid change (leucine 105 retained).
Molecular consequence: synonymous variant.
Genome position (GRCh38, 1-based): chr8:54,621,281, A>G. VCF-style: chr8-54621281-A-G. GRCh37 (hg19) VCF-style: chr8-55533841-A-G.
Other names: c.315A>G, p.Leu105= (NM_001375654.1); c.315A>G (NM_006269.1).
Identifiers: ClinVar variation 1084587 (VCV001084587.12), dbSNP rs764145254, ClinGen allele CA4751116.